The following is an entry in ClinVar:

ClinVar aggregate classification (germline): Uncertain significance (1 of 4 stars; one submission).

Submission:

Labcorp Genetics (formerly Invitae), Labcorp
Classification: Uncertain significance. Last evaluated: 2024-06-28. Review status: criteria provided, single submitter. Criteria: Invitae Variant Classification Sherloc (09022015). Collection method: clinical testing. Allele origin: germline.
Comment: This sequence change replaces leucine, which is neutral and non-polar, with serine, which is neutral and polar, at codon 2174 of the MYO7A protein (p.Leu2174Ser). This variant is not present in population databases (gnomAD no frequency). This variant has not been reported in the literature in individuals affected with MYO7A-related conditions. Advanced modeling of protein sequence and biophysical properties (such as structural, functional, and spatial information, amino acid conservation, physicochemical variation, residue mobility, and thermodynamic stability) has been performed at Invitae for this missense variant, however the output from this modeling did not meet the statistical confidence thresholds required to predict the impact of this variant on MYO7A protein function. In summary, the available evidence is currently insufficient to determine the role of this variant in disease. Therefore, it has been classified as a Variant of Uncertain Significance.

NM_000260.4(MYO7A):c.6521T>C (p.Leu2174Ser)

Gene: MYO7A (myosin VIIA; plus strand). Cytogenetic location: 11q13.5.
Variant type: single nucleotide variant.
Coding change: c.6521T>C on transcript NM_000260.4 (MANE Select); coding-DNA position 6521, T replaced by C.
Protein change: p.Leu2174Ser; replaces leucine 2174 with serine.
Molecular consequence: missense variant.
Genome position (GRCh38, 1-based): chr11:77,213,942, T>C. VCF-style: chr11-77213942-T-C. GRCh37 (hg19) VCF-style: chr11-76924987-T-C.
Other names: c.6401T>C, p.Leu2134Ser (NM_001127180.2); c.6374T>C, p.Leu2125Ser (NM_001369365.1); short protein forms L2125S, L2134S, L2174S.
Identifiers: ClinVar variation 3630938 (VCV003630938.2).